The following is an entry in ClinVar:

ClinVar aggregate classification (germline): Likely benign (1 of 4 stars; one submission).

Allele frequency attached by ClinVar (database versions not stated): gnomAD exomes below 0.00001 and 0.00001; ExAC 0.00002.
gnomAD v4.1: 7 of 1,562,254 alleles (0.00045%); highest among the groups gnomAD compares: South Asian, 0.0061%; no homozygotes.

Submission:

GeneDx
Classification: Likely benign. Last evaluated: 2016-09-12. Review status: criteria provided, single submitter. Criteria: GeneDx Variant Classification (06012015). Collection method: clinical testing. Allele origin: germline. Affected: yes.
Comment: This variant is considered likely benign or benign based on one or more of the following criteria: it is a conservative change, it occurs at a poorly conserved position in the protein, it is predicted to be benign by multiple in silico algorithms, and/or has population frequency not consistent with disease.

NM_025114.4(CEP290):c.6145A>G (p.Ile2049Val)

Gene: CEP290 (centrosomal protein 290; minus strand). Cytogenetic location: 12q21.32.
Variant type: single nucleotide variant.
Coding change: c.6145A>G on transcript NM_025114.4 (MANE Select); coding-DNA position 6145, A replaced by G.
Protein change: p.Ile2049Val; replaces isoleucine 2049 with valine.
Molecular consequence: missense variant.
Genome position (GRCh38, 1-based): chr12:88,064,106, T>C on the plus strand (A>G on the coding strand, the complement: CEP290 is on the minus strand). VCF-style: chr12-88064106-T-C. GRCh37 (hg19) VCF-style: chr12-88457883-T-C.
Other names: short protein forms I2049V.
Identifiers: ClinVar variation 388995 (VCV000388995.1), dbSNP rs750355861, ClinGen allele CA6711550.
Genomic context (GRCh38, chr12:88,064,106, plus strand): 5'-ACAACTTCAAGTTTTCCTTCTGAAGCTCCTGTTCTCTCTGACAATGATCATCTGACTCTA[T>C]TCCTGAAATCTTCAGGGAAATGAAATTAGGAATATTTTTAAAGTTTAATAAATAAAAGCC-3'
Protein context (NP_079390.3, residues 2039-2059): DTYSKPSISG[Ile2049Val]ESDDHCQREQ